The following is an entry in ClinVar:

NM_080473.5(GATA5):c.436G>T (p.Val146Leu)

Gene: GATA5 (GATA binding protein 5; minus strand). Cytogenetic location: 20q13.33.
Variant type: single nucleotide variant.
Coding change: c.436G>T on transcript NM_080473.5 (MANE Select); coding-DNA position 436, G replaced by T.
Protein change: p.Val146Leu; replaces valine 146 with leucine.
Molecular consequence: missense variant.
Genome position (GRCh38, 1-based): chr20:62,475,086, C>A on the plus strand (G>T on the coding strand, the complement: GATA5 is on the minus strand). VCF-style: chr20-62475086-C-A. GRCh37 (hg19) VCF-style: chr20-61050142-C-A.
Other names: short protein forms V146L.
Identifiers: ClinVar variation 4780253 (VCV004780253.1).

ClinVar aggregate classification (germline): Uncertain significance (1 of 4 stars; one submission).

gnomAD v4.1: 3 of 1,407,660 alleles (0.00021%); highest among the groups gnomAD compares: Non-Finnish European, 0.00028%; no homozygotes.

Submission:

Labcorp Genetics (formerly Invitae), Labcorp
Classification: Uncertain significance. Last evaluated: 2025-08-16. Review status: criteria provided, single submitter. Criteria: Invitae Variant Classification Sherloc (09022015). Collection method: clinical testing. Allele origin: germline.
Comment: This sequence change replaces valine, which is neutral and non-polar, with leucine, which is neutral and non-polar, at codon 146 of the GATA5 protein (p.Val146Leu). This variant is not present in population databases (gnomAD no frequency). This variant has not been reported in the literature in individuals affected with GATA5-related conditions. Invitae Evidence Modeling of protein sequence and biophysical properties (such as structural, functional, and spatial information, amino acid conservation, physicochemical variation, residue mobility, and thermodynamic stability) indicates that this missense variant is not expected to disrupt GATA5 protein function with a negative predictive value of 80%. In summary, the available evidence is currently insufficient to determine the role of this variant in disease. Therefore, it has been classified as a Variant of Uncertain Significance.